The following is an entry in ClinVar:

ClinVar aggregate classification (germline): Uncertain significance. Review status: criteria provided, multiple submitters, no conflicts (2 of 4 stars). 3 submissions from 3 submitters: Uncertain significance (3). Last evaluated 2025-10-22.

Conditions:
Inborn genetic diseases. Identifiers: MedGen C0950123, MeSH D030342.

Allele frequency attached by ClinVar (database versions not stated): gnomAD 0.00001; gnomAD exomes 0.00001; ExAC 0.00002; TOPMed 0.00002.
gnomAD v4.1: 13 of 1,612,908 alleles (0.00081%); highest among the groups gnomAD compares: African/African-American, 0.0053%; no homozygotes.

Submissions (3):

Ambry Genetics
Classification: Uncertain significance for Inborn genetic diseases. Last evaluated: 2025-10-22. Review status: criteria provided, single submitter. Criteria: Ambry Variant Classification Scheme 2023. Collection method: clinical testing. Allele origin: germline.

CeGaT Center for Human Genetics Tuebingen
Classification: Uncertain significance. Last evaluated: 2024-02-01. Review status: criteria provided, single submitter. Criteria: CeGaT Center For Human Genetics Tuebingen Variant Classification Criteria Version 2. Collection method: clinical testing. Allele origin: germline. Affected: yes. Observed: 1 variant allele.
Comment: ABCC6: PM2, BP4

Labcorp Genetics (formerly Invitae), Labcorp
Classification: Uncertain significance. Last evaluated: 2022-06-07. Review status: criteria provided, single submitter. Criteria: Invitae Variant Classification Sherloc (09022015). Collection method: clinical testing. Allele origin: germline.
Comment: This sequence change replaces alanine, which is neutral and non-polar, with valine, which is neutral and non-polar, at codon 1008 of the ABCC6 protein (p.Ala1008Val). The frequency data for this variant in the population databases is considered unreliable, as metrics indicate poor data quality at this position in the gnomAD database. This variant has not been reported in the literature in individuals affected with ABCC6-related conditions. Advanced modeling of protein sequence and biophysical properties (such as structural, functional, and spatial information, amino acid conservation, physicochemical variation, residue mobility, and thermodynamic stability) performed at Invitae indicates that this missense variant is not expected to disrupt ABCC6 protein function. In summary, the available evidence is currently insufficient to determine the role of this variant in disease. Therefore, it has been classified as a Variant of Uncertain Significance.

NM_001171.6(ABCC6):c.3023C>T (p.Ala1008Val)

Gene: ABCC6 (ATP binding cassette subfamily C member 6; minus strand). Cytogenetic location: 16p13.11.
Variant type: single nucleotide variant.
Coding change: c.3023C>T on transcript NM_001171.6 (MANE Select); coding-DNA position 3023, C replaced by T.
Protein change: p.Ala1008Val; replaces alanine 1008 with valine.
Molecular consequence: missense variant. On other transcripts: non-coding transcript variant (1).
Genome position (GRCh38, 1-based): chr16:16,165,906, G>A on the plus strand (C>T on the coding strand, the complement: ABCC6 is on the minus strand). VCF-style: chr16-16165906-G-A. GRCh37 (hg19) VCF-style: chr16-16259763-G-A.
Other names: c.2681C>T, p.Ala894Val (NM_001351800.1); c.3023C>T (NM_001171.5); short protein forms A894V, A1008V.
Identifiers: ClinVar variation 1983040 (VCV001983040.25), dbSNP rs776995531, ClinGen allele CA7925705.